The following is an entry in ClinVar:

NM_017654.4(SAMD9):c.3718G>C (p.Gly1240Arg)

Gene: SAMD9 (sterile alpha motif domain containing 9; minus strand). Cytogenetic location: 7q21.2.
Variant type: single nucleotide variant.
Coding change: c.3718G>C on transcript NM_017654.4 (MANE Select); coding-DNA position 3718, G replaced by C.
Protein change: p.Gly1240Arg; replaces glycine 1240 with arginine.
Molecular consequence: missense variant.
Genome position (GRCh38, 1-based): chr7:93,102,380, C>G on the plus strand (G>C on the coding strand, the complement: SAMD9 is on the minus strand). VCF-style: chr7-93102380-C-G. GRCh37 (hg19) VCF-style: chr7-92731693-C-G.
Other names: c.3718G>C, p.Gly1240Arg (NM_001193307.2); short protein forms G1240R.
Identifiers: ClinVar variation 3791986 (VCV003791986.1).

ClinVar aggregate classification (germline): Uncertain significance (1 of 4 stars; one submission).

Conditions:
Inborn genetic diseases. Identifiers: MedGen C0950123, MeSH D030342.

gnomAD v4.1: 2 of 1,609,238 alleles (0.00012%); highest among the groups gnomAD compares: Non-Finnish European, 0.00017%; no homozygotes.

Submission:

Ambry Genetics
Classification: Uncertain significance for Inborn genetic diseases. Last evaluated: 2025-01-08. Review status: criteria provided, single submitter. Criteria: Ambry Variant Classification Scheme 2023. Collection method: clinical testing. Allele origin: germline.
Comment: The p.G1240R variant (also known as c.3718G>C), located in coding exon 1 of the SAMD9 gene, results from a G to C substitution at nucleotide position 3718. The glycine at codon 1240 is replaced by arginine, an amino acid with dissimilar properties. This amino acid position is conserved. In addition, this alteration is predicted to be tolerated by in silico analysis. Based on the available evidence, the clinical significance of this variant remains unclear.